The following is an entry in ClinVar:

ClinVar aggregate classification (germline): Uncertain significance. Review status: criteria provided, multiple submitters, no conflicts (2 of 4 stars). 2 submissions from 2 submitters: Uncertain significance (2). Last evaluated 2024-10-10.

Conditions:
Developmental and epileptic encephalopathy, 1 (DEE1). Also called: INFANTILE SPASM SYNDROME, X-LINKED 1; X-linked infantile spasms; West's syndrome; Tonic spasms with clustering, arrest of psychomotor development and hypsarrhythmia on EEG; X-Linked Infantile Spasm Syndrome; OHTAHARA SYNDROME, X-LINKED. Identifiers: MedGen C3463992, MONDO:0010632, OMIM 308350. Disease mechanism: loss of function.
Autosomal dominant nonsyndromic hearing loss 65. Also called: TBC1D24-Related Autosomal Dominant Nonsyndromic Hearing Loss (DFNA); Deafness, autosomal dominant 65. Identifiers: Orphanet 90635, MedGen C3892048, MONDO:0014470, OMIM 616044.

Allele frequency attached by ClinVar (database versions not stated): ESP Exome Variant Server 0.00008; ExAC 0.00003; 1000 Genomes Project 30x 0.00031; TOPMed 0.00001; gnomAD exomes 0.00002; 1000 Genomes Project 0.00020.
gnomAD v4.1: 23 of 1,613,564 alleles (0.0014%); highest among the groups gnomAD compares: Admixed American, 0.013%; no homozygotes.

Submissions (2):

Labcorp Genetics (formerly Invitae), Labcorp
Classification: Uncertain significance for Developmental and epileptic encephalopathy, 1; Autosomal dominant nonsyndromic hearing loss 65. Last evaluated: 2024-10-10. Review status: criteria provided, single submitter. Criteria: Invitae Variant Classification Sherloc (09022015). Collection method: clinical testing. Allele origin: germline.
Comment: This sequence change replaces threonine, which is neutral and polar, with methionine, which is neutral and non-polar, at codon 66 of the TBC1D24 protein (p.Thr66Met). This variant is present in population databases (rs371245371, gnomAD 0.01%). This variant has not been reported in the literature in individuals affected with TBC1D24-related conditions. ClinVar contains an entry for this variant (Variation ID: 841498). Invitae Evidence Modeling of protein sequence and biophysical properties (such as structural, functional, and spatial information, amino acid conservation, physicochemical variation, residue mobility, and thermodynamic stability) has been performed for this missense variant. However, the output from this modeling did not meet the statistical confidence thresholds required to predict the impact of this variant on TBC1D24 protein function. In summary, the available evidence is currently insufficient to determine the role of this variant in disease. Therefore, it has been classified as a Variant of Uncertain Significance.

GeneDx
Classification: Uncertain significance. Last evaluated: 2024-03-15. Review status: criteria provided, single submitter. Criteria: GeneDx Variant Classification Process June 2021. Collection method: clinical testing. Allele origin: germline. Affected: yes.
Comment: In silico analysis supports that this missense variant does not alter protein structure/function; Has not been previously published as pathogenic or benign to our knowledge; This variant is associated with the following publications: (PMID: 24291220)

NM_001199107.2(TBC1D24):c.197C>T (p.Thr66Met)

Gene: TBC1D24 (TBC1 domain family member 24; plus strand). Cytogenetic location: 16p13.3.
Variant type: single nucleotide variant.
Coding change: c.197C>T on transcript NM_001199107.2 (MANE Select); coding-DNA position 197, C replaced by T.
Protein change: p.Thr66Met; replaces threonine 66 with methionine.
Molecular consequence: missense variant.
Genome position (GRCh38, 1-based): chr16:2,496,345, C>T. VCF-style: chr16-2496345-C-T. GRCh37 (hg19) VCF-style: chr16-2546346-C-T.
Other names: c.197C>T, p.Thr66Met (NM_020705.3); short protein forms T66M.
Identifiers: ClinVar variation 841498 (VCV000841498.12), dbSNP rs371245371, ClinGen allele CA7843947.